The following is an entry in ClinVar:

NM_002427.4(MMP13):c.1121G>A (p.Gly374Asp)

Gene: MMP13 (matrix metallopeptidase 13; minus strand). Cytogenetic location: 11q22.2.
Variant type: single nucleotide variant.
Coding change: c.1121G>A on transcript NM_002427.4 (MANE Select); coding-DNA position 1121, G replaced by A.
Protein change: p.Gly374Asp; replaces glycine 374 with aspartic acid.
Molecular consequence: missense variant.
Genome position (GRCh38, 1-based): chr11:102,947,981, C>T on the plus strand (G>A on the coding strand, the complement: MMP13 is on the minus strand). VCF-style: chr11-102947981-C-T. GRCh37 (hg19) VCF-style: chr11-102818710-C-T.
Other names: c.1121G>A (NM_002427.3); short protein forms G374D.
Identifiers: ClinVar variation 1912588 (VCV001912588.6), dbSNP rs879998813, ClinGen allele CA382227456.
Genomic context (GRCh38, chr11:102,947,981, plus strand): 5'-GTCTTGCCTGTATCCTCAAAGTGAACAGCTGCACTTATCTTCTTAACTTCTTTTGGAAGA[C>T]CCAGTTCAGATATTTTTTTGGGATAACCTTCCAGAATGTCATAACCATTAAGAGCCCAAA-3'
Protein context (NP_002418.1, residues 364-384): EGYPKKISEL[Gly374Asp]LPKEVKKISA

ClinVar aggregate classification (germline): Uncertain significance. Review status: criteria provided, multiple submitters, no conflicts (2 of 4 stars). 2 submissions from 2 submitters: Uncertain significance (2). Last evaluated 2026-03-11.

Submissions (2):

Ambry Genetics
Classification: Uncertain significance. Last evaluated: 2026-03-11. Review status: criteria provided, single submitter. Criteria: Ambry Variant Classification Scheme 2023. Collection method: clinical testing. Allele origin: germline.

Labcorp Genetics (formerly Invitae), Labcorp
Classification: Uncertain significance. Last evaluated: 2022-10-04. Review status: criteria provided, single submitter. Criteria: Invitae Variant Classification Sherloc (09022015). Collection method: clinical testing. Allele origin: germline.
Comment: In summary, the available evidence is currently insufficient to determine the role of this variant in disease. Therefore, it has been classified as a Variant of Uncertain Significance. Advanced modeling of protein sequence and biophysical properties (such as structural, functional, and spatial information, amino acid conservation, physicochemical variation, residue mobility, and thermodynamic stability) performed at Invitae indicates that this missense variant is expected to disrupt MMP13 protein function. This variant has not been reported in the literature in individuals affected with MMP13-related conditions. This variant is present in population databases (no rsID available, gnomAD 0.0009%). This sequence change replaces glycine, which is neutral and non-polar, with aspartic acid, which is acidic and polar, at codon 374 of the MMP13 protein (p.Gly374Asp).